The following is an entry in ClinVar:

ClinVar aggregate classification (germline): Uncertain significance (1 of 4 stars; one submission).

Allele frequency attached by ClinVar (database versions not stated): gnomAD exomes below 0.00001.
gnomAD v4.1: 2 of 1,613,252 alleles (0.00012%); highest among the groups gnomAD compares: Admixed American, 0.0017%; no homozygotes.

Submission:

Labcorp Genetics (formerly Invitae), Labcorp
Classification: Uncertain significance. Last evaluated: 2025-09-20. Review status: criteria provided, single submitter. Criteria: Invitae Variant Classification Sherloc (09022015). Collection method: clinical testing. Allele origin: germline.
Comment: This sequence change replaces arginine, which is basic and polar, with glycine, which is neutral and non-polar, at codon 1088 of the COL2A1 protein (p.Arg1088Gly). This variant is not present in population databases (gnomAD no frequency). This variant has not been reported in the literature in individuals affected with COL2A1-related conditions. ClinVar contains an entry for this variant (Variation ID: 1446871). Invitae Evidence Modeling of protein sequence and biophysical properties (such as structural, functional, and spatial information, amino acid conservation, physicochemical variation, residue mobility, and thermodynamic stability) has been performed for this missense variant. However, the output from this modeling did not meet the statistical confidence thresholds required to predict the impact of this variant on COL2A1 protein function. In summary, the available evidence is currently insufficient to determine the role of this variant in disease. Therefore, it has been classified as a Variant of Uncertain Significance.

NM_001844.5(COL2A1):c.3262A>G (p.Arg1088Gly)

Gene: COL2A1 (collagen type II alpha 1 chain; minus strand). Cytogenetic location: 12q13.11.
Variant type: single nucleotide variant.
Coding change: c.3262A>G on transcript NM_001844.5 (MANE Select); coding-DNA position 3262, A replaced by G.
Protein change: p.Arg1088Gly; replaces arginine 1088 with glycine.
Molecular consequence: missense variant.
Genome position (GRCh38, 1-based): chr12:47,977,331, T>C on the plus strand (A>G on the coding strand, the complement: COL2A1 is on the minus strand). VCF-style: chr12-47977331-T-C. GRCh37 (hg19) VCF-style: chr12-48371114-T-C.
Other names: c.3055A>G, p.Arg1019Gly (NM_033150.3); short protein forms R1088G, R1019G.
Identifiers: ClinVar variation 1446871 (VCV001446871.8), dbSNP rs2136521102, ClinGen allele CA384540011.